The following is an entry in ClinVar:

ClinVar aggregate classification (germline): Uncertain significance. Review status: criteria provided, multiple submitters, no conflicts (2 of 4 stars). 2 submissions from 2 submitters: Uncertain significance (2). Last evaluated 2025-05-05.

Conditions:
Cerebral creatine deficiency syndrome. Also called: Creatine deficiency syndromes. Identifiers: Orphanet 79172, MedGen C5244016, MONDO:0000456.

Allele frequency attached by ClinVar (database versions not stated): gnomAD 0.00002 and 0.00003; gnomAD exomes 0.00002; ExAC 0.00003; TOPMed 0.00003.
gnomAD v4.1: 31 of 1,611,742 alleles (0.0019%); highest among the groups gnomAD compares: South Asian, 0.0066%; no homozygotes.

Submissions (2):

Labcorp Genetics (formerly Invitae), Labcorp
Classification: Uncertain significance for Cerebral creatine deficiency syndrome. Last evaluated: 2025-05-05. Review status: criteria provided, single submitter. Criteria: Invitae Variant Classification Sherloc (09022015). Collection method: clinical testing. Allele origin: germline.
Comment: This sequence change replaces arginine, which is basic and polar, with cysteine, which is neutral and slightly polar, at codon 221 of the GAMT protein (p.Arg221Cys). This variant is present in population databases (rs751894166, gnomAD 0.006%). This variant has not been reported in the literature in individuals affected with GAMT-related conditions. ClinVar contains an entry for this variant (Variation ID: 1412892). Invitae Evidence Modeling of protein sequence and biophysical properties (such as structural, functional, and spatial information, amino acid conservation, physicochemical variation, residue mobility, and thermodynamic stability) has been performed for this missense variant. However, the output from this modeling did not meet the statistical confidence thresholds required to predict the impact of this variant on GAMT protein function. In summary, the available evidence is currently insufficient to determine the role of this variant in disease. Therefore, it has been classified as a Variant of Uncertain Significance.

GeneDx
Classification: Uncertain significance. Last evaluated: 2024-05-31. Review status: criteria provided, single submitter. Criteria: GeneDx Variant Classification Process June 2021. Collection method: clinical testing. Allele origin: germline. Affected: yes.
Comment: Not observed at significant frequency in large population cohorts (gnomAD); In silico analysis supports that this missense variant has a deleterious effect on protein structure/function; Has not been previously published as pathogenic or benign to our knowledge

NM_000156.6(GAMT):c.661C>T (p.Arg221Cys)

Gene: GAMT (guanidinoacetate N-methyltransferase; minus strand). Cytogenetic location: 19p13.3.
Variant type: single nucleotide variant.
Coding change: c.661C>T on transcript NM_000156.6 (MANE Select); coding-DNA position 661, C replaced by T.
Protein change: p.Arg221Cys; replaces arginine 221 with cysteine.
Molecular consequence: missense variant.
Genome position (GRCh38, 1-based): chr19:1,397,409, G>A on the plus strand (C>T on the coding strand, the complement: GAMT is on the minus strand). VCF-style: chr19-1397409-G-A. GRCh37 (hg19) VCF-style: chr19-1397408-G-A.
Other names: c.661C>T (NM_000156.4); short protein forms R221C.
Identifiers: ClinVar variation 1412892 (VCV001412892.5), dbSNP rs751894166, ClinGen allele CA9043537.